The following is an entry in ClinVar:

NM_006231.4(POLE):c.6005-12G>A

Gene: POLE (DNA polymerase epsilon, catalytic subunit; minus strand). Cytogenetic location: 12q24.33.
Variant type: single nucleotide variant.
Coding change: c.6005-12G>A on transcript NM_006231.4 (MANE Select); 12 bases into the intron before coding-DNA position 6005, G replaced by A.
Molecular consequence: intron variant.
Genome position (GRCh38, 1-based): chr12:132,632,807, C>T on the plus strand (G>A on the coding strand, the complement: POLE is on the minus strand). VCF-style: chr12-132632807-C-T. GRCh37 (hg19) VCF-style: chr12-133209393-C-T.
Identifiers: ClinVar variation 668265 (VCV000668265.5), dbSNP rs1593709333, ClinGen allele CA915946797.

ClinVar aggregate classification (germline): Likely benign. Review status: criteria provided, multiple submitters, no conflicts (2 of 4 stars). 2 submissions from 2 submitters: Likely benign (2). Last evaluated 2025-03-13.

Allele frequency attached by ClinVar (database versions not stated): gnomAD exomes below 0.00001.
gnomAD v4.1: 1 of 1,593,132 alleles (0.000063%); highest among the groups gnomAD compares: Non-Finnish European, 0.000085%; no homozygotes.

Submissions (2):

Labcorp Genetics (formerly Invitae), Labcorp
Classification: Likely benign. Last evaluated: 2025-03-13. Review status: criteria provided, single submitter. Criteria: Invitae Variant Classification Sherloc (09022015). Collection method: clinical testing. Allele origin: germline.

GeneDx
Classification: Likely benign. Last evaluated: 2018-05-05. Review status: criteria provided, single submitter. Criteria: GeneDx Variant Classification (06012015). Collection method: clinical testing. Allele origin: germline. Affected: yes.
Comment: This variant is considered likely benign or benign based on one or more of the following criteria: it is a conservative change, it occurs at a poorly conserved position in the protein, it is predicted to be benign by multiple in silico algorithms, and/or has population frequency not consistent with disease.